The following is an entry in ClinVar:

ClinVar aggregate classification (germline): Uncertain significance (1 of 4 stars; one submission).

Submission:

ISCA site 4
Classification: Uncertain significance. Last evaluated: 2011-08-12. Review status: criteria provided, single submitter. Criteria: Kaminsky et al. (Genet Med. 2011). Collection method: clinical testing. Allele origin: unknown. Affected: yes. Observed: 1 variant allele.
Comment: Copy number variation identified through the course of routine clinical cytogenomic testing in postnatal populations. Clinical assertions have been curated as described in Kaminsky et al. 2011.

GRCh38/hg38 Xq27.1-27.2(chrX:141160282-141469623)x0

Genes: LDOC1 (LDOC1 regulator of NFKB signaling; minus strand), SPANXC (SPANX family member C; minus strand). Cytogenetic location: Xq27.1-27.2.
Variant type: copy number loss.
Change: copy number 0 of chrX:141,160,282-141,469,623 (309.3 kb, GRCh38 coordinates, 1-based), cytogenetic band Xq27.1-27.2.
Identifiers: ClinVar variation 161047 (VCV000161047.1).